The following is an entry in ClinVar:

NM_032861.4(SERAC1):c.329C>T (p.Ala110Val)

Gene: SERAC1 (serine active site containing 1; minus strand). Cytogenetic location: 6q25.3.
Variant type: single nucleotide variant.
Coding change: c.329C>T on transcript NM_032861.4 (MANE Select); coding-DNA position 329, C replaced by T.
Protein change: p.Ala110Val; replaces alanine 110 with valine.
Molecular consequence: missense variant. On other transcripts: non-coding transcript variant (1).
Genome position (GRCh38, 1-based): chr6:158,148,891, G>A on the plus strand (C>T on the coding strand, the complement: SERAC1 is on the minus strand). VCF-style: chr6-158148891-G-A. GRCh37 (hg19) VCF-style: chr6-158569923-G-A.
Other names: short protein forms A110V.
Identifiers: ClinVar variation 1411529 (VCV001411529.6), dbSNP rs368403843, ClinGen allele CA150948448.

ClinVar aggregate classification (germline): Uncertain significance (1 of 4 stars; one submission).

Conditions:
3-methylglutaconic aciduria with deafness, encephalopathy, and Leigh-like syndrome (MEGDEL). Also called: SERAC1 Deficiency; MEGDEL syndrome; 3-METHYLGLUTACONIC ACIDURIA, TYPE VI. Identifiers: Orphanet 352328, MedGen C4040739, MONDO:0013875, OMIM 614739.

Allele frequency attached by ClinVar (database versions not stated): gnomAD exomes below 0.00001; TOPMed 0.00002; gnomAD 0.00003; ESP Exome Variant Server 0.00008.
gnomAD v4.1: 8 of 1,612,074 alleles (0.0005%); highest among the groups gnomAD compares: African/African-American, 0.011%; no homozygotes.

Submission:

Labcorp Genetics (formerly Invitae), Labcorp
Classification: Uncertain significance for 3-methylglutaconic aciduria with deafness, encephalopathy, and Leigh-like syndrome. Last evaluated: 2022-08-09. Review status: criteria provided, single submitter. Criteria: Invitae Variant Classification Sherloc (09022015). Collection method: clinical testing. Allele origin: germline.
Comment: In summary, the available evidence is currently insufficient to determine the role of this variant in disease. Therefore, it has been classified as a Variant of Uncertain Significance. Algorithms developed to predict the effect of missense changes on protein structure and function are either unavailable or do not agree on the potential impact of this missense change (SIFT: "Deleterious"; PolyPhen-2: "Possibly Damaging"; Align-GVGD: "Class C0"). ClinVar contains an entry for this variant (Variation ID: 1411529). This variant has not been reported in the literature in individuals affected with SERAC1-related conditions. This variant is present in population databases (rs368403843, gnomAD 0.008%). This sequence change replaces alanine, which is neutral and non-polar, with valine, which is neutral and non-polar, at codon 110 of the SERAC1 protein (p.Ala110Val).